The following is an entry in ClinVar:

ClinVar aggregate classification (germline): Uncertain significance (1 of 4 stars; one submission).

Submission:

Labcorp Genetics (formerly Invitae), Labcorp
Classification: Uncertain significance. Last evaluated: 2021-12-19. Review status: criteria provided, single submitter. Criteria: Invitae Variant Classification Sherloc (09022015). Collection method: clinical testing. Allele origin: germline.
Comment: This sequence change falls in intron 1 of the TUBG1 gene. It does not directly change the encoded amino acid sequence of the TUBG1 protein. It affects a nucleotide within the consensus splice site. This variant is present in population databases (rs755680672, gnomAD 0.003%). This variant has not been reported in the literature in individuals affected with TUBG1-related conditions. Variants that disrupt the consensus splice site are a relatively common cause of aberrant splicing (PMID: 17576681, 9536098). Algorithms developed to predict the effect of sequence changes on RNA splicing suggest that this variant may disrupt the consensus splice site. In summary, the available evidence is currently insufficient to determine the role of this variant in disease. Therefore, it has been classified as a Variant of Uncertain Significance.

Literature cited by the submitters: PubMed 17576681; PubMed 9536098.

NM_001070.5(TUBG1):c.50-3C>A

Gene: TUBG1 (tubulin gamma 1; plus strand). Cytogenetic location: 17q21.2.
Variant type: single nucleotide variant.
Coding change: c.50-3C>A on transcript NM_001070.5 (MANE Select); 3 bases into the intron before coding-DNA position 50, C replaced by A.
Molecular consequence: intron variant.
Genome position (GRCh38, 1-based): chr17:42,610,105, C>A. VCF-style: chr17-42610105-C-A. GRCh37 (hg19) VCF-style: chr17-40762123-C-A.
Identifiers: ClinVar variation 1915420 (VCV001915420.5), dbSNP rs755680672, ClinGen allele CA8579751.